The following is an entry in ClinVar:

ClinVar aggregate classification (germline): Uncertain significance (1 of 4 stars; one submission).

gnomAD v4.1: 1 of 1,614,058 alleles (0.000062%); highest among the groups gnomAD compares: Middle Eastern, 0.016%; no homozygotes.

Submission:

Ambry Genetics
Classification: Uncertain significance. Last evaluated: 2024-12-29. Review status: criteria provided, single submitter. Criteria: Ambry Variant Classification Scheme 2023. Collection method: clinical testing. Allele origin: germline.
Comment: The p.A551V variant (also known as c.1652C>T), located in coding exon 8 of the ATRIP gene, results from a C to T substitution at nucleotide position 1652. The alanine at codon 551 is replaced by valine, an amino acid with similar properties. This amino acid position is conserved. In addition, this alteration is predicted to be tolerated by in silico analysis. Based on the available evidence, the clinical significance of this variant remains unclear.

NM_130384.3(ATRIP):c.1652C>T (p.Ala551Val)

Genes: ATRIP (ATR interacting protein; plus strand), ATRIP-TREX1 (ATRIP-TREX1 readthrough; plus strand). Cytogenetic location: 3p21.31.
Variant type: single nucleotide variant.
Coding change: c.1652C>T on transcript NM_130384.3 (MANE Select); coding-DNA position 1652, C replaced by T.
Protein change: p.Ala551Val; replaces alanine 551 with valine.
Molecular consequence: missense variant. On other transcripts: non-coding transcript variant (1).
Genome position (GRCh38, 1-based): chr3:48,460,706, C>T. VCF-style: chr3-48460706-C-T. GRCh37 (hg19) VCF-style: chr3-48502105-C-T.
Other names: c.1271C>T, p.Ala424Val (NM_001271022.2); c.1373C>T, p.Ala458Val (NM_001271023.2); c.1652C>T, p.Ala551Val (NM_032166.4); short protein forms A424V, A458V, A551V.
Identifiers: ClinVar variation 3809392 (VCV003809392.1).